The following is an entry in ClinVar:

ClinVar aggregate classification (germline): Uncertain significance (1 of 4 stars; one submission).

Submission:

GeneDx
Classification: Uncertain significance. Last evaluated: 2024-11-24. Review status: criteria provided, single submitter. Criteria: GeneDx Variant Classification Process June 2021. Collection method: clinical testing. Allele origin: germline. Affected: yes.
Comment: Not observed at significant frequency in large population cohorts (gnomAD); In silico analysis supports a deleterious effect on protein structure/function; Has not been previously published as pathogenic or benign to our knowledge

NM_139137.4(KCNC2):c.991_992delinsAC (p.Gly331Thr)

Gene: KCNC2 (potassium voltage-gated channel subfamily C member 2; minus strand). Cytogenetic location: 12q21.1.
Variant type: Indel.
Coding change: c.991_992delinsAC on transcript NM_139137.4 (MANE Select); coding-DNA positions 991 to 992, GG replaced by AC.
Protein change: p.Gly331Thr; replaces glycine 331 with threonine.
Molecular consequence: missense variant. On other transcripts: non-coding transcript variant (1).
Genome position (GRCh38, 1-based): chr12:75,051,013-75,051,014, CC replaced by GT on the plus strand (GG replaced by AC on the coding strand, the reverse complement: KCNC2 is on the minus strand). VCF-style: chr12-75051013-CC-GT. GRCh37 (hg19) VCF-style: chr12-75444793-CC-GT.
Other names: c.991_992delinsAC, p.Gly331Thr (NM_001260497.2, NM_001260498.2, NM_001260499.2 and 13 more transcripts); short protein forms G331T.
Identifiers: ClinVar variation 3900165 (VCV003900165.1).